The following is an entry in ClinVar:

ClinVar aggregate classification (germline): Pathogenic (1 of 4 stars; one submission).

Submission:

ARUP Laboratories, Molecular Genetics and Genomics, ARUP Laboratories
Classification: Pathogenic. Last evaluated: 2025-06-27. Review status: criteria provided, single submitter. Criteria: ARUP Molecular Germline Variant Investigation Process 2024. Collection method: clinical testing. Allele origin: germline.
Comment: The VWF c.1025dup; p.Cys342TrpfsTer41 variant (rs771376802), to our knowledge, is not reported in the medical literature or gene specific databases. This variant is only observed on one allele in the Genome Aggregation Database (v2.1.1), indicating it is not a common polymorphism. This variant causes a frameshift by inserting a single nucleotide, so it is predicted to result in a truncated protein or mRNA subject to nonsense-mediated decay. Based on available information, this variant is considered to be pathogenic.

NM_000552.5(VWF):c.1025dup (p.Cys342fs)

Gene: VWF (von Willebrand factor; minus strand). Cytogenetic location: 12p13.31.
Variant type: Duplication.
Coding change: c.1025dup on transcript NM_000552.5 (MANE Select); coding-DNA position 1025, one base duplicated (G; older notation c.1025dupG).
Protein change: p.Cys342fs; shifts the reading frame from cysteine 342.
Molecular consequence: frameshift variant.
Genome position (GRCh38, 1-based): chr12:6,072,415, C duplicated on the plus strand (G on the coding strand, the reverse complement: VWF is on the minus strand). VCF-style (leftmost placement, unchanged base first): chr12-6072414-G-GC. GRCh37 (hg19) VCF-style: chr12-6181580-G-GC.
Other names: short protein forms C342fs.
Identifiers: ClinVar variation 4685920 (VCV004685920.1).